The following is an entry in ClinVar:

NM_017636.4(TRPM4):c.1873+4C>T

Gene: TRPM4 (transient receptor potential cation channel subfamily M member 4; plus strand). Cytogenetic location: 19q13.33.
Variant type: single nucleotide variant.
Coding change: c.1873+4C>T on transcript NM_017636.4 (MANE Select); 4 bases into the intron after coding-DNA position 1873, C replaced by T.
Molecular consequence: intron variant.
Genome position (GRCh38, 1-based): chr19:49,188,774, C>T. VCF-style: chr19-49188774-C-T. GRCh37 (hg19) VCF-style: chr19-49692031-C-T.
Other names: c.1873+4C>T (NM_001195227.2); c.265+4C>T (NM_001321282.2); c.1528+4C>T (NM_001321281.2); c.1351+4C>T (NM_001321283.2); c.811+4C>T (NM_001321285.2).
Identifiers: ClinVar variation 508951 (VCV000508951.16), dbSNP rs746766318, ClinGen allele CA9569342.

ClinVar aggregate classification (germline): Conflicting classifications of pathogenicity. Review status: criteria provided, conflicting classifications (1 of 4 stars). 4 submissions from 4 submitters: Uncertain significance (1); Likely benign (3). Last evaluated 2026-01-19.

Conditions:
Cardiovascular phenotype. Identifiers: MedGen CN230736.
Progressive familial heart block type IB (PFHB1B). Identifiers: Orphanet 871, MedGen C1970298, MONDO:0011474, OMIM 604559.

Allele frequency attached by ClinVar (database versions not stated): gnomAD 0.00005 and 0.00006; ExAC 0.00008; gnomAD exomes 0.00008 and 0.00016; TOPMed 0.00009.

Submissions (4):

Labcorp Genetics (formerly Invitae), Labcorp
Classification: Likely benign for Progressive familial heart block type IB. Last evaluated: 2026-01-19. Review status: criteria provided, single submitter. Criteria: Invitae Variant Classification Sherloc (09022015). Collection method: clinical testing. Allele origin: germline.

Ambry Genetics
Classification: Likely benign for Cardiovascular phenotype. Last evaluated: 2019-09-13. Review status: criteria provided, single submitter. Criteria: Ambry Variant Classification Scheme 2023. Collection method: clinical testing. Allele origin: germline.

Illumina Laboratory Services, Illumina
Classification: Uncertain significance for Progressive familial heart block type IB. Last evaluated: 2018-01-12. Review status: criteria provided, single submitter. Criteria: ICSL Variant Classification Criteria 13 December 2019. Collection method: clinical testing. Allele origin: germline.

GeneDx
Classification: Likely benign. Last evaluated: 2017-04-17. Review status: criteria provided, single submitter. Criteria: GeneDx Variant Classification (06012015). Collection method: clinical testing. Allele origin: germline. Affected: yes.
Comment: This variant is considered likely benign or benign based on one or more of the following criteria: it is a conservative change, it occurs at a poorly conserved position in the protein, it is predicted to be benign by multiple in silico algorithms, and/or has population frequency not consistent with disease.